The following is an entry in ClinVar:

NM_032578.4(MYPN):c.2437T>C (p.Ser813Pro)

Gene: MYPN (myopalladin; plus strand). Cytogenetic location: 10q21.3.
Variant type: single nucleotide variant.
Coding change: c.2437T>C on transcript NM_032578.4 (MANE Select); coding-DNA position 2437, T replaced by C.
Protein change: p.Ser813Pro; replaces serine 813 with proline.
Molecular consequence: missense variant. On other transcripts: non-coding transcript variant (2).
Genome position (GRCh38, 1-based): chr10:68,174,529, T>C. VCF-style: chr10-68174529-T-C. GRCh37 (hg19) VCF-style: chr10-69934286-T-C.
Other names: c.2437T>C, p.Ser813Pro (NM_001256267.2); c.1555T>C, p.Ser519Pro (NM_001256268.2); short protein forms S519P, S813P.
Identifiers: ClinVar variation 5025307 (VCV005025307.1).

ClinVar aggregate classification (germline): Uncertain significance (1 of 4 stars; one submission).

Conditions:
Cardiovascular phenotype. Identifiers: MedGen CN230736.

Submission:

Ambry Genetics
Classification: Uncertain significance for Cardiovascular phenotype. Last evaluated: 2026-08-08. Review status: criteria provided, single submitter. Criteria: Ambry Variant Classification Scheme 2023. Collection method: clinical testing. Allele origin: germline.
Comment: The p.S813P variant (also known as c.2437T>C), located in coding exon 10 of the MYPN gene, results from a T to C substitution at nucleotide position 2437. The serine at codon 813 is replaced by proline, an amino acid with similar properties. This amino acid position is conserved. In addition, this alteration is predicted to be tolerated by in silico analysis. Based on the available evidence, the clinical significance of this variant remains unclear.